The following is an entry in ClinVar:

ClinVar aggregate classification (germline): Benign/Likely benign. Review status: criteria provided, multiple submitters, no conflicts (2 of 4 stars). 3 submissions from 3 submitters: Benign (1); Likely benign (1). 1 of the submissions does not count toward it. Last evaluated 2024-11-13.

Conditions:
Becker muscular dystrophy (BMD). Also called: MUSCULAR DYSTROPHY, PSEUDOHYPERTROPHIC PROGRESSIVE, BECKER TYPE; Becker Muscular Dystrophy (BMD). Identifiers: Orphanet 98895, MedGen C0917713, MONDO:0010311, OMIM 300376.
Duchenne muscular dystrophy (DMD). Also called: Duchenne Muscular Dystrophy (DMD); MUSCULAR DYSTROPHY, PSEUDOHYPERTROPHIC PROGRESSIVE, DUCHENNE TYPE. Identifiers: Orphanet 98896, MedGen C0013264, MONDO:0010679, OMIM 310200.
Cardiomyopathy (CMYO). Also called: Cardiomyopathies. Identifiers: Orphanet 167848, MedGen C0878544, MONDO:0004994, HP:0001638. Inheritance: Various modes of inheritance.
Dystrophin deficiency.

Allele frequency attached by ClinVar (database versions not stated): 1000 Genomes Project 0.00371; gnomAD 0.00259 and 0.00271; TOPMed 0.00298; 1000 Genomes Project 30x 0.00333.
gnomAD v4.1: 289 of 112,516 alleles (0.26%); highest among the groups gnomAD compares: African/African-American, 0.89%; 1 homozygote.

Submissions (3):

Blueprint Genetics
Classification: Likely benign. Last evaluated: 2024-11-13. Review status: criteria provided, single submitter. Criteria: ACMG Guidelines, 2015. Collection method: clinical testing. Allele origin: germline.

GeneDx
Classification: Benign. Last evaluated: 2014-04-03. Review status: criteria provided, single submitter. Criteria: GeneDx Variant Classification (06012015). Collection method: clinical testing. Allele origin: germline. Affected: yes.
Comment: This variant is considered likely benign or benign based on one or more of the following criteria: it is a conservative change, it occurs at a poorly conserved position in the protein, it is predicted to be benign by multiple in silico algorithms, and/or has population frequency not consistent with disease.

Natera, Inc.
Classification: Likely benign for Becker muscular dystrophy; Cardiomyopathy; Duchenne muscular dystrophy; Dystrophin deficiency. Last evaluated: 2017-04-21. Review status: no assertion criteria provided. Collection method: clinical testing. Allele origin: germline. Not counted in ClinVar's aggregate classification.

NM_004006.3(DMD):c.9085-15539G>A

Gene: DMD (dystrophin; minus strand). Cytogenetic location: Xp21.2.
Variant type: single nucleotide variant.
Coding change: c.9085-15539G>A on transcript NM_004006.3 (MANE Select); 15539 bases into the intron before coding-DNA position 9085, G replaced by A.
Molecular consequence: intron variant.
Genome position (GRCh38, 1-based): chrX:31,364,173, C>T on the plus strand (G>A on the coding strand, the complement: DMD is on the minus strand). VCF-style: chrX-31364173-C-T. GRCh37 (hg19) VCF-style: chrX-31382290-C-T.
Other names: c.9061-15539G>A (NM_000109.4); c.5062-15539G>A (NM_004011.4); c.5053-15539G>A (NM_004012.4); c.1705-15539G>A (NM_004023.3, NM_004020.4, NM_004022.3 and 2 more transcripts); c.898-15539G>A (NM_004014.3); c.9073-15539G>A (NM_004009.3); c.8716-15539G>A (NM_004010.3).
Identifiers: ClinVar variation 94822 (VCV000094822.3), dbSNP rs143848649, ClinGen allele CA222529.